The following is an entry in ClinVar:

NM_198578.4(LRRK2):c.7127G>C (p.Trp2376Ser)

Gene: LRRK2 (leucine rich repeat kinase 2; plus strand). Cytogenetic location: 12q12.
Variant type: single nucleotide variant.
Coding change: c.7127G>C on transcript NM_198578.4 (MANE Select); coding-DNA position 7127, G replaced by C.
Protein change: p.Trp2376Ser; replaces tryptophan 2376 with serine.
Molecular consequence: missense variant.
Genome position (GRCh38, 1-based): chr12:40,363,500, G>C. VCF-style: chr12-40363500-G-C. GRCh37 (hg19) VCF-style: chr12-40757302-G-C.
Other names: short protein forms W2376S.
Identifiers: ClinVar variation 3540493 (VCV003540493.1).

ClinVar aggregate classification (germline): Uncertain significance (1 of 4 stars; one submission).

Conditions:
Inborn genetic diseases. Identifiers: MedGen C0950123, MeSH D030342.

gnomAD v4.1: 2 of 1,611,996 alleles (0.00012%); highest among the groups gnomAD compares: Non-Finnish European, 0.00017%; no homozygotes.

Submission:

Ambry Genetics
Classification: Uncertain significance for Inborn genetic diseases. Last evaluated: 2024-07-23. Review status: criteria provided, single submitter. Criteria: Ambry Variant Classification Scheme 2023. Collection method: clinical testing. Allele origin: germline.
Comment: The p.W2376S variant (also known as c.7127G>C), located in coding exon 48 of the LRRK2 gene, results from a G to C substitution at nucleotide position 7127. The tryptophan at codon 2376 is replaced by serine, an amino acid with highly dissimilar properties. This amino acid position is conserved. In addition, the in silico prediction for this alteration is inconclusive. Based on the available evidence, the clinical significance of this variant remains unclear.